The following is an entry in ClinVar:

NM_018131.5(CEP55):c.242A>G (p.Asp81Gly)

Gene: CEP55 (centrosomal protein 55; plus strand). Cytogenetic location: 10q23.33.
Variant type: single nucleotide variant.
Coding change: c.242A>G on transcript NM_018131.5 (MANE Select); coding-DNA position 242, A replaced by G.
Protein change: p.Asp81Gly; replaces aspartic acid 81 with glycine.
Molecular consequence: missense variant.
Genome position (GRCh38, 1-based): chr10:93,503,171, A>G. VCF-style: chr10-93503171-A-G. GRCh37 (hg19) VCF-style: chr10-95262928-A-G.
Other names: c.242A>G, p.Asp81Gly (NM_001127182.2); short protein forms D81G.
Identifiers: ClinVar variation 2054216 (VCV002054216.4), dbSNP rs1383048141, ClinGen allele CA377598439.

ClinVar aggregate classification (germline): Uncertain significance (1 of 4 stars; one submission).

Allele frequency attached by ClinVar (database versions not stated): gnomAD exomes below 0.00001; gnomAD 0.00001; TOPMed 0.00001.
gnomAD v4.1: 2 of 1,614,054 alleles (0.00012%); highest among the groups gnomAD compares: Admixed American, 0.0033%; no homozygotes.

Submission:

Labcorp Genetics (formerly Invitae), Labcorp
Classification: Uncertain significance. Last evaluated: 2024-02-23. Review status: criteria provided, single submitter. Criteria: Invitae Variant Classification Sherloc (09022015). Collection method: clinical testing. Allele origin: germline.
Comment: This sequence change replaces aspartic acid, which is acidic and polar, with glycine, which is neutral and non-polar, at codon 81 of the CEP55 protein (p.Asp81Gly). This variant is present in population databases (no rsID available, gnomAD 0.003%). This variant has not been reported in the literature in individuals affected with CEP55-related conditions. ClinVar contains an entry for this variant (Variation ID: 2054216). An algorithm developed to predict the effect of missense changes on protein structure and function (PolyPhen-2) suggests that this variant is likely to be tolerated. In summary, the available evidence is currently insufficient to determine the role of this variant in disease. Therefore, it has been classified as a Variant of Uncertain Significance.